The following is an entry in ClinVar:

NM_001037131.3(AGAP1):c.577G>A (p.Ala193Thr)

Gene: AGAP1 (ArfGAP with GTPase domain, ankyrin repeat and PH domain 1; plus strand). Cytogenetic location: 2q37.2.
Variant type: single nucleotide variant.
Coding change: c.577G>A on transcript NM_001037131.3 (MANE Select); coding-DNA position 577, G replaced by A.
Protein change: p.Ala193Thr; replaces alanine 193 with threonine.
Molecular consequence: missense variant.
Genome position (GRCh38, 1-based): chr2:235,750,392, G>A. VCF-style: chr2-235750392-G-A. GRCh37 (hg19) VCF-style: chr2-236659036-G-A.
Other names: c.577G>A, p.Ala193Thr (NM_001244888.2, NM_001412122.1, NM_014914.5); short protein forms A193T.
Identifiers: ClinVar variation 2158533 (VCV002158533.5), dbSNP rs367559858, ClinGen allele CA67688888.
Genomic context (GRCh38, chr2:235,750,392, plus strand): 5'-ACTTTTTGGTCTTCTGTTCCAGATGCCATAAGTTCTGCTAACCCGAGGGTCATCGATGAC[G>A]CCAGGGCGAGGAAGCTCTCCAACGACCTGAAACGGTGCACGTACTACGAGACGTGTGCTA-3'
Protein context (NP_001032208.1, residues 183-203): SSANPRVIDD[Ala193Thr]RARKLSNDLK

ClinVar aggregate classification (germline): Conflicting classifications of pathogenicity. Review status: criteria provided, conflicting classifications (1 of 4 stars). 2 submissions from 2 submitters: Uncertain significance (1); Likely benign (1). Last evaluated 2025-02-16.

Allele frequency attached by ClinVar (database versions not stated): TOPMed below 0.00001; gnomAD 0.00001.
gnomAD v4.1: 13 of 1,614,066 alleles (0.00081%); highest among the groups gnomAD compares: East Asian, 0.0045%; no homozygotes.

Submissions (2):

Laboratory of Genetics, Children's Clinical University Hospital Latvia
Classification: Likely benign. Last evaluated: 2025-02-16. Review status: criteria provided, single submitter. Criteria: ACMG Guidelines, 2015. Collection method: clinical testing. Allele origin: germline. Affected: yes.

Labcorp Genetics (formerly Invitae), Labcorp
Classification: Uncertain significance. Last evaluated: 2022-09-10. Review status: criteria provided, single submitter. Criteria: Invitae Variant Classification Sherloc (09022015). Collection method: clinical testing. Allele origin: germline.
Comment: This sequence change replaces alanine, which is neutral and non-polar, with threonine, which is neutral and polar, at codon 193 of the AGAP1 protein (p.Ala193Thr). The frequency data for this variant in the population databases is considered unreliable, as metrics indicate poor data quality at this position in the gnomAD database. This variant has not been reported in the literature in individuals affected with AGAP1-related conditions. Algorithms developed to predict the effect of missense changes on protein structure and function output the following: SIFT: "Tolerated"; PolyPhen-2: "Benign"; Align-GVGD: "Class C0". The threonine amino acid residue is found in multiple mammalian species, which suggests that this missense change does not adversely affect protein function. In summary, the available evidence is currently insufficient to determine the role of this variant in disease. Therefore, it has been classified as a Variant of Uncertain Significance.